The following is an entry in ClinVar:

NM_000312.4(PROC):c.785T>C (p.Leu262Pro)

Gene: PROC (protein C, inactivator of coagulation factors Va and VIIIa; plus strand). Cytogenetic location: 2q14.3.
Variant type: single nucleotide variant.
Coding change: c.785T>C on transcript NM_000312.4 (MANE Select); coding-DNA position 785, T replaced by C.
Protein change: p.Leu262Pro; replaces leucine 262 with proline.
Molecular consequence: missense variant.
Genome position (GRCh38, 1-based): chr2:127,427,211, T>C. VCF-style: chr2-127427211-T-C. GRCh37 (hg19) VCF-style: chr2-128184787-T-C.
Other names: c.968T>C, p.Leu323Pro (NM_001375602.1); c.950T>C, p.Leu317Pro (NM_001375603.1); c.848T>C, p.Leu283Pro (NM_001375604.1); c.887T>C, p.Leu296Pro (NM_001375605.1); c.953T>C, p.Leu318Pro (NM_001375606.1); c.971T>C, p.Leu324Pro (NM_001375607.1); c.728T>C, p.Leu243Pro (NM_001375608.1); c.761T>C, p.Leu254Pro (NM_001375609.1); and 2 more; short protein forms L254P, L317P, L318P, L323P, L260P, L296P, L324P, L243P.
Identifiers: ClinVar variation 893647 (VCV000893647.4), dbSNP rs1688564230, ClinGen allele CA348402612.
Genomic context (GRCh38, chr2:127,427,211, plus strand): 5'-TCATCCACCCCTCCTGGGTGCTGACAGCGGCCCACTGCATGGATGAGTCCAAGAAGCTCC[T>C]TGTCAGGCTTGGTATGGGCTGGAGCCAGGCAGAAGGGGGCTGCCAGAGGCCTGGGTAGGG-3'
Protein context (NP_000303.1, residues 252-272): AHCMDESKKL[Leu262Pro]VRLGEYDLRR

ClinVar aggregate classification (germline): Uncertain significance (1 of 4 stars; one submission).

Conditions:
Thrombophilia due to protein C deficiency, autosomal dominant. Also called: PROC DEFICIENCY, AUTOSOMAL DOMINANT; PROTEIN C DEFICIENCY, AUTOSOMAL DOMINANT. Identifiers: Orphanet 745, MedGen C2674321, MONDO:0008316, OMIM 176860. Disease mechanism: loss of function.

Submission:

Illumina Laboratory Services, Illumina
Classification: Uncertain significance for Thrombophilia due to protein C deficiency, autosomal dominant. Last evaluated: 2017-04-28. Review status: criteria provided, single submitter. Criteria: ICSL Variant Classification Criteria 13 December 2019. Collection method: clinical testing. Allele origin: germline.
Comment: This variant was observed as part of a predisposition screen in an ostensibly healthy population. A literature search was performed for the gene, cDNA change, and amino acid change (where applicable). Publications were found based on this search. However, the evidence from the literature, in combination with allele frequency data from public databases where available, was not sufficient to rule this variant in or out of causing disease. Therefore, this variant is classified as a variant of unknown significance.

Literature cited by the submitters: PubMed 2991887; PubMed 7670104.